The following is an entry in ClinVar:

ClinVar aggregate classification (germline): Likely benign. Review status: criteria provided, multiple submitters, no conflicts (2 of 4 stars). 3 submissions from 3 submitters: Likely benign (2). 1 of the submissions does not count toward it. Last evaluated 2024-09-19.

Conditions:
WDR81-related disorder. Also called: WDR81-related condition.

Allele frequency attached by ClinVar (database versions not stated): ESP Exome Variant Server 0.00008; gnomAD 0.00015 and 0.00016; gnomAD exomes 0.00020 and 0.00037; TOPMed 0.00027; ExAC 0.00034.
gnomAD v4.1: 325 of 1,597,298 alleles (0.02%); highest among the groups gnomAD compares: Admixed American, 0.096%; 1 homozygote.

Submissions (3):

Blueprint Genetics
Classification: Likely benign. Last evaluated: 2024-09-19. Review status: criteria provided, single submitter. Criteria: ACMG Guidelines, 2015. Collection method: clinical testing. Allele origin: germline.

CeGaT Center for Human Genetics Tuebingen
Classification: Likely benign. Last evaluated: 2022-08-01. Review status: criteria provided, single submitter. Criteria: CeGaT Center For Human Genetics Tuebingen Variant Classification Criteria Version 2. Collection method: clinical testing. Allele origin: germline. Affected: yes. Observed: 2 variant alleles.
Comment: WDR81: BP4, BP7

PreventionGenetics, part of Exact Sciences
Classification: Likely benign for WDR81-related condition. Last evaluated: 2019-07-10. Review status: no assertion criteria provided. Collection method: clinical testing. Allele origin: germline. Not counted in ClinVar's aggregate classification.
Comment: This variant is classified as likely benign based on ACMG/AMP sequence variant interpretation guidelines (Richards et al. 2015 PMID: 25741868, with internal and published modifications).

NM_001163809.2(WDR81):c.4590C>T (p.Ser1530=)

Gene: WDR81 (WD repeat domain 81; plus strand). Cytogenetic location: 17p13.3.
Variant type: single nucleotide variant.
Coding change: c.4590C>T on transcript NM_001163809.2 (MANE Select); coding-DNA position 4590, C replaced by T.
Protein change: p.Ser1530=; no amino-acid change (serine 1530 retained).
Molecular consequence: synonymous variant.
Genome position (GRCh38, 1-based): chr17:1,733,627, C>T. VCF-style: chr17-1733627-C-T. GRCh37 (hg19) VCF-style: chr17-1636921-C-T.
Other names: c.4590C>T (NM_001163809.1); c.981C>T, p.Ser327= (NM_001163673.2); c.909C>T, p.Ser303= (NM_001163811.2); c.1437C>T, p.Ser479= (NM_152348.4).
Identifiers: ClinVar variation 1176678 (VCV001176678.37), dbSNP rs377328201, ClinGen allele CA8273609.